The following is an entry in ClinVar:

ClinVar aggregate classification (germline): Uncertain significance (1 of 4 stars; one submission).

Allele frequency attached by ClinVar (database versions not stated): gnomAD exomes below 0.00001; gnomAD 0.00001; TOPMed 0.00003.
gnomAD v4.1: 4 of 1,474,532 alleles (0.00027%); highest among the groups gnomAD compares: Admixed American, 0.0024%; no homozygotes.

Submission:

Labcorp Genetics (formerly Invitae), Labcorp
Classification: Uncertain significance. Last evaluated: 2025-08-03. Review status: criteria provided, single submitter. Criteria: Invitae Variant Classification Sherloc (09022015). Collection method: clinical testing. Allele origin: germline.
Comment: This sequence change replaces serine, which is neutral and polar, with cysteine, which is neutral and slightly polar, at codon 1291 of the GRIN2D protein (p.Ser1291Cys). The frequency data for this variant in the population databases is considered unreliable, as metrics indicate poor data quality at this position in the gnomAD database. This variant has not been reported in the literature in individuals affected with GRIN2D-related conditions. ClinVar contains an entry for this variant (Variation ID: 2136447). Invitae Evidence Modeling of protein sequence and biophysical properties (such as structural, functional, and spatial information, amino acid conservation, physicochemical variation, residue mobility, and thermodynamic stability) indicates that this missense variant is not expected to disrupt GRIN2D protein function with a negative predictive value of 95%. In summary, the available evidence is currently insufficient to determine the role of this variant in disease. Therefore, it has been classified as a Variant of Uncertain Significance.

NM_000836.4(GRIN2D):c.3872C>G (p.Ser1291Cys)

Gene: GRIN2D (glutamate ionotropic receptor NMDA type subunit 2D; plus strand). Cytogenetic location: 19q13.33.
Variant type: single nucleotide variant.
Coding change: c.3872C>G on transcript NM_000836.4 (MANE Select); coding-DNA position 3872, C replaced by G.
Protein change: p.Ser1291Cys; replaces serine 1291 with cysteine.
Molecular consequence: missense variant.
Genome position (GRCh38, 1-based): chr19:48,443,798, C>G. VCF-style: chr19-48443798-C-G. GRCh37 (hg19) VCF-style: chr19-48947055-C-G.
Other names: short protein forms S1291C.
Identifiers: ClinVar variation 2136447 (VCV002136447.4), dbSNP rs1448375763, ClinGen allele CA406678719.